The following is an entry in ClinVar:

ClinVar aggregate classification (germline): Likely benign (1 of 4 stars; one submission).

Submission:

CeGaT Center for Human Genetics Tuebingen
Classification: Likely benign. Last evaluated: 2025-09-01. Review status: criteria provided, single submitter. Criteria: CeGaT Center For Human Genetics Tuebingen Variant Classification Criteria Version 2. Collection method: clinical testing. Allele origin: germline. Affected: yes. Observed: 2 variant alleles.
Comment: PRB3: BP4, BP7

NM_001394862.1(PRB3):c.531G>A (p.Pro177=)

Gene: PRB3 (proline rich protein BstNI subfamily 3; minus strand). Cytogenetic location: 12p13.2.
Variant type: single nucleotide variant.
Coding change: c.531G>A on transcript NM_001394862.1 (MANE Select); coding-DNA position 531, G replaced by A.
Protein change: p.Pro177=; no amino-acid change (proline 177 retained).
Molecular consequence: synonymous variant.
Genome position (GRCh38, 1-based): chr12:11,267,718, C>T on the plus strand (G>A on the coding strand, the complement: PRB3 is on the minus strand). VCF-style: chr12-11267718-C-T. GRCh37 (hg19) VCF-style: chr12-11420652-C-T.
Other names: c.531G>A, p.Pro177= (NM_006249.5).
Identifiers: ClinVar variation 3905112 (VCV003905112.10).